The following is an entry in ClinVar:

ClinVar aggregate classification (germline): Uncertain significance (1 of 4 stars; one submission).

Submission:

GeneDx
Classification: Uncertain significance. Last evaluated: 2025-03-28. Review status: criteria provided, single submitter. Criteria: GeneDx Variant Classification Process June 2021. Collection method: clinical testing. Allele origin: germline. Affected: yes.
Comment: Not observed at significant frequency in large population cohorts (gnomAD); In silico analysis supports that this missense variant has a deleterious effect on protein structure/function; Has not been previously published as pathogenic or benign to our knowledge

NM_001457.4(FLNB):c.4678G>A (p.Glu1560Lys)

Gene: FLNB (filamin B; plus strand). Cytogenetic location: 3p14.3.
Variant type: single nucleotide variant.
Coding change: c.4678G>A on transcript NM_001457.4 (MANE Select); coding-DNA position 4678, G replaced by A.
Protein change: p.Glu1560Lys; replaces glutamic acid 1560 with lysine.
Molecular consequence: missense variant.
Genome position (GRCh38, 1-based): chr3:58,135,985, G>A. VCF-style: chr3-58135985-G-A. GRCh37 (hg19) VCF-style: chr3-58121712-G-A.
Other names: c.4771G>A, p.Glu1591Lys (NM_001164317.2); c.4678G>A, p.Glu1560Lys (NM_001164318.2, NM_001164319.2); short protein forms E1560K, E1591K.
Identifiers: ClinVar variation 4088090 (VCV004088090.1).
Genomic context (GRCh38, chr3:58,135,985, plus strand): 5'-AATGTTTTCTACATCTTGACAACATCCTAAATAGCATTTCTCTATGATCCACAGGACCAA[G>A]AAGGAAAACCCAAAAGAGCCATTGTCCATGACAATAAAGATGGCACGTATGCTGTCACCT-3'
Protein context (NP_001448.2, residues 1550-1570): GLLAVQITDQ[Glu1560Lys]GKPKRAIVHD